The following is an entry in ClinVar:

ClinVar aggregate classification (germline): Uncertain significance. Review status: criteria provided, multiple submitters, no conflicts (2 of 4 stars). 2 submissions from 2 submitters: Uncertain significance (2). Last evaluated 2023-01-03.

Conditions:
Inborn genetic diseases. Identifiers: MedGen C0950123, MeSH D030342.

Allele frequency attached by ClinVar (database versions not stated): gnomAD 0.00001; TOPMed 0.00001; gnomAD exomes 0.00002.

Submissions (2):

Mayo Clinic Laboratories, Mayo Clinic
Classification: Uncertain significance. Last evaluated: 2023-01-03. Review status: criteria provided, single submitter. Criteria: ACMG Guidelines, 2015. Collection method: clinical testing. Allele origin: germline. Observed: 1 variant allele.
Comment: BP4

Ambry Genetics
Classification: Uncertain significance for Inborn genetic diseases. Last evaluated: 2021-09-15. Review status: criteria provided, single submitter. Criteria: Ambry Variant Classification Scheme 2023. Collection method: clinical testing. Allele origin: germline.

NM_003647.3(DGKE):c.1402C>T (p.Pro468Ser)

Gene: DGKE (diacylglycerol kinase epsilon; plus strand). Cytogenetic location: 17q22.
Variant type: single nucleotide variant.
Coding change: c.1402C>T on transcript NM_003647.3 (MANE Select); coding-DNA position 1402, C replaced by T.
Protein change: p.Pro468Ser; replaces proline 468 with serine.
Molecular consequence: missense variant.
Genome position (GRCh38, 1-based): chr17:56,861,908, C>T. VCF-style: chr17-56861908-C-T. GRCh37 (hg19) VCF-style: chr17-54939269-C-T.
Other names: p.Pro468Ser; c.1402C>T (NM_003647.2); short protein forms P468S.
Identifiers: ClinVar variation 2683438 (VCV002683438.2), dbSNP rs755411164, ClinGen allele CA291879384.